The following is an entry in ClinVar:

NM_000257.4(MYH7):c.395C>T (p.Pro132Leu)

Gene: MYH7 (myosin heavy chain 7; minus strand). Cytogenetic location: 14q11.2.
Variant type: single nucleotide variant.
Coding change: c.395C>T on transcript NM_000257.4 (MANE Select); coding-DNA position 395, C replaced by T.
Protein change: p.Pro132Leu; replaces proline 132 with leucine.
Molecular consequence: missense variant.
Genome position (GRCh38, 1-based): chr14:23,432,746, G>A on the plus strand (C>T on the coding strand, the complement: MYH7 is on the minus strand). VCF-style: chr14-23432746-G-A. GRCh37 (hg19) VCF-style: chr14-23901955-G-A.
Other names: short protein forms P132L.
Identifiers: ClinVar variation 1472066 (VCV001472066.11), dbSNP rs2138684739, ClinGen allele CA389052904.

ClinVar aggregate classification (germline): Uncertain significance. Review status: criteria provided, multiple submitters, no conflicts (2 of 4 stars). 2 submissions from 2 submitters: Uncertain significance (2). Last evaluated 2025-11-27.

Conditions:
Cardiovascular phenotype. Identifiers: MedGen CN230736.
Hypertrophic cardiomyopathy. Also called: HYPERTROPHIC MYOCARDIOPATHY. Identifiers: Orphanet 217569, MedGen C0007194, MeSH D002312, MONDO:0005045, HP:0001639.

Allele frequency attached by ClinVar (database versions not stated): gnomAD exomes below 0.00001.

Submissions (2):

Labcorp Genetics (formerly Invitae), Labcorp
Classification: Uncertain significance for Hypertrophic cardiomyopathy. Last evaluated: 2025-11-27. Review status: criteria provided, single submitter. Criteria: Invitae Variant Classification Sherloc (09022015). Collection method: clinical testing. Allele origin: germline.
Comment: This sequence change replaces proline, which is neutral and non-polar, with leucine, which is neutral and non-polar, at codon 132 of the MYH7 protein (p.Pro132Leu). This variant is not present in population databases (gnomAD no frequency). This variant has not been reported in the literature in individuals affected with MYH7-related conditions. ClinVar contains an entry for this variant (Variation ID: 1472066). Invitae Evidence Modeling of protein sequence and biophysical properties (such as structural, functional, and spatial information, amino acid conservation, physicochemical variation, residue mobility, and thermodynamic stability) indicates that this missense variant is expected to disrupt MYH7 protein function with a positive predictive value of 95%. In summary, the available evidence is currently insufficient to determine the role of this variant in disease. Therefore, it has been classified as a Variant of Uncertain Significance.

Ambry Genetics
Classification: Uncertain significance for Cardiovascular phenotype. Last evaluated: 2025-02-12. Review status: criteria provided, single submitter. Criteria: Ambry Variant Classification Scheme 2023. Collection method: clinical testing. Allele origin: germline.
Comment: The p.P132L variant (also known as c.395C>T), located in coding exon 3 of the MYH7 gene, results from a C to T substitution at nucleotide position 395. The proline at codon 132 is replaced by leucine, an amino acid with similar properties. This amino acid position is highly conserved in available vertebrate species. In addition, this alteration is predicted to be deleterious by in silico analysis. Based on the available evidence, the clinical significance of this variant remains unclear.